The following is an entry in ClinVar:

ClinVar aggregate classification (germline): Conflicting classifications of pathogenicity. Review status: criteria provided, conflicting classifications (1 of 4 stars). 2 submissions from 2 submitters: Uncertain significance (1); Likely benign (1). Last evaluated 2024-05-27.

Conditions:
Hereditary cancer-predisposing syndrome. Also called: Neoplastic Syndromes, Hereditary; Hereditary neoplastic syndrome; Tumor predisposition; Hereditary Cancer Syndrome. Identifiers: Orphanet 140162, MedGen C0027672, MeSH D009386, MONDO:0015356.
Hereditary breast ovarian cancer syndrome. Also called: BRCA1- and BRCA2-Associated Hereditary Breast and Ovarian Cancer; Hereditary breast and ovarian cancer syndrome (HBOC); Hereditary breast and ovarian cancer syndrome; Hereditary breast and ovarian cancer; Breast and ovarian cancer; Hereditary breast and/or ovarian cancer syndrome. Identifiers: Orphanet 145, MedGen C0677776, MeSH D061325, MONDO:0003582. Disease mechanism: loss of function.

Submissions (2):

Labcorp Genetics (formerly Invitae), Labcorp
Classification: Uncertain significance for Hereditary breast ovarian cancer syndrome. Last evaluated: 2024-05-27. Review status: criteria provided, single submitter. Criteria: Invitae Variant Classification Sherloc (09022015). Collection method: clinical testing. Allele origin: germline.
Comment: This sequence change replaces glutamic acid, which is acidic and polar, with aspartic acid, which is acidic and polar, at codon 832 of the BRCA2 protein (p.Glu832Asp). This variant is not present in population databases (gnomAD no frequency). This variant has not been reported in the literature in individuals affected with BRCA2-related conditions. ClinVar contains an entry for this variant (Variation ID: 1393718). Advanced modeling of protein sequence and biophysical properties (such as structural, functional, and spatial information, amino acid conservation, physicochemical variation, residue mobility, and thermodynamic stability) performed at Invitae indicates that this missense variant is not expected to disrupt BRCA2 protein function with a negative predictive value of 95%. In summary, the available evidence is currently insufficient to determine the role of this variant in disease. Therefore, it has been classified as a Variant of Uncertain Significance.

University of Washington Department of Laboratory Medicine, University of Washington
Classification: Likely benign for Hereditary cancer-predisposing syndrome. Last evaluated: 2023-03-23. Review status: criteria provided, single submitter. Criteria: Dines et al. (Genet Med. 2020). Collection method: curation. Allele origin: germline.
Comment: Missense variant in a coldspot region where missense variants are very unlikely to be pathogenic (PMID:31911673).

BRCA2 exon 11 coldspot. Reclassification based on statistical prior probability.

NM_000059.4(BRCA2):c.2496G>T (p.Glu832Asp)

Gene: BRCA2 (BRCA2 DNA repair associated; plus strand). Cytogenetic location: 13q13.1.
Variant type: single nucleotide variant.
Coding change: c.2496G>T on transcript NM_000059.4 (MANE Select); coding-DNA position 2496, G replaced by T.
Protein change: p.Glu832Asp; replaces glutamic acid 832 with aspartic acid.
Molecular consequence: missense variant.
Genome position (GRCh38, 1-based): chr13:32,336,851, G>T. VCF-style: chr13-32336851-G-T. GRCh37 (hg19) VCF-style: chr13-32910988-G-T.
Other names: short protein forms E832D.
Identifiers: ClinVar variation 1393718 (VCV001393718.7), dbSNP rs786201479, ClinGen allele CA387772416.